The following is an entry in ClinVar:

NM_001972.4(ELANE):c.626A>T (p.Asn209Ile)

Gene: ELANE (elastase, neutrophil expressed; plus strand). Cytogenetic location: 19p13.3.
Variant type: single nucleotide variant.
Coding change: c.626A>T on transcript NM_001972.4 (MANE Select); coding-DNA position 626, A replaced by T.
Protein change: p.Asn209Ile; replaces asparagine 209 with isoleucine.
Molecular consequence: missense variant.
Genome position (GRCh38, 1-based): chr19:855,986, A>T. VCF-style: chr19-855986-A-T. GRCh37 (hg19) VCF-style: chr19-855986-A-T.
Other names: p.Asn209Ile; short protein forms N209I.
Identifiers: ClinVar variation 4542278 (VCV004542278.2).

ClinVar aggregate classification (germline): Uncertain significance. Review status: criteria provided, multiple submitters, no conflicts (2 of 4 stars). 2 submissions from 2 submitters: Uncertain significance (2). Last evaluated 2026-01-18.

Conditions:
Cyclical neutropenia. Also called: Cyclic Neutropenia; Cyclic hematopoiesis. Identifiers: Orphanet 2686, MedGen C0221023, MONDO:0008090, OMIM 162800, HP:0040289. Disease mechanism: loss of function.
Neutropenia, severe congenital, 1, autosomal dominant. Identifiers: MedGen C1859966, MONDO:0042490, OMIM 202700.

Submissions (2):

Labcorp Genetics (formerly Invitae), Labcorp
Classification: Uncertain significance for Neutropenia, severe congenital, 1, autosomal dominant; Cyclical neutropenia. Last evaluated: 2026-01-18. Review status: criteria provided, single submitter. Criteria: Invitae Variant Classification Sherloc (09022015). Collection method: clinical testing. Allele origin: germline.
Comment: This sequence change replaces asparagine, which is neutral and polar, with isoleucine, which is neutral and non-polar, at codon 209 of the ELANE protein (p.Asn209Ile). This variant is not present in population databases (gnomAD no frequency). This missense change has been observed in individual(s) with ELANE-related conditions (PMID: 23463630). Invitae Evidence Modeling of protein sequence and biophysical properties (such as structural, functional, and spatial information, amino acid conservation, physicochemical variation, residue mobility, and thermodynamic stability) has been performed for this missense variant. However, the output from this modeling did not meet the statistical confidence thresholds required to predict the impact of this variant on ELANE protein function. In summary, the available evidence is currently insufficient to determine the role of this variant in disease. Therefore, it has been classified as a Variant of Uncertain Significance.

Mayo Clinic Laboratories, Mayo Clinic
Classification: Uncertain significance. Last evaluated: 2025-08-14. Review status: criteria provided, single submitter. Criteria: ACMG Guidelines, 2015. Collection method: clinical testing. Allele origin: germline. Observed: 1 variant allele.
Comment: PM2_supporting

Literature cited by the submitters: PubMed 23463630 (cited by Labcorp Genetics (formerly Invitae), Labcorp and Mayo Clinic Laboratories, Mayo Clinic).